The following is an entry in ClinVar:

ClinVar aggregate classification (germline): Uncertain significance (1 of 4 stars; one submission).

Allele frequency attached by ClinVar (database versions not stated): ExAC 0.00004; gnomAD exomes 0.00004.

Submission:

Labcorp Genetics (formerly Invitae), Labcorp
Classification: Uncertain significance. Last evaluated: 2022-09-06. Review status: criteria provided, single submitter. Criteria: Invitae Variant Classification Sherloc (09022015). Collection method: clinical testing. Allele origin: germline.
Comment: In summary, the available evidence is currently insufficient to determine the role of this variant in disease. Therefore, it has been classified as a Variant of Uncertain Significance. Algorithms developed to predict the effect of missense changes on protein structure and function are either unavailable or do not agree on the potential impact of this missense change (SIFT: "Deleterious"; PolyPhen-2: "Probably Damaging"; Align-GVGD: "Class C15"). ClinVar contains an entry for this variant (Variation ID: 1461334). This variant has not been reported in the literature in individuals affected with SLC39A7-related conditions. This variant is present in population databases (rs748431549, gnomAD 0.03%). This sequence change replaces glycine, which is neutral and non-polar, with aspartic acid, which is acidic and polar, at codon 344 of the SLC39A7 protein (p.Gly344Asp).

NM_006979.3(SLC39A7):c.1031G>A (p.Gly344Asp)

Gene: SLC39A7 (solute carrier family 39 member 7; plus strand). Cytogenetic location: 6p21.32.
Variant type: single nucleotide variant.
Coding change: c.1031G>A on transcript NM_006979.3 (MANE Select); coding-DNA position 1031, G replaced by A.
Protein change: p.Gly344Asp; replaces glycine 344 with aspartic acid.
Molecular consequence: missense variant.
Genome position (GRCh38, 1-based): chr6:33,203,000, G>A. VCF-style: chr6-33203000-G-A. GRCh37 (hg19) VCF-style: chr6-33170777-G-A.
Other names: c.1031G>A, p.Gly344Asp (NM_001077516.2); c.656G>A, p.Gly219Asp (NM_001288777.2); short protein forms G219D, G344D.
Identifiers: ClinVar variation 1461334 (VCV001461334.8), dbSNP rs748431549, ClinGen allele CA3752413.